The following is an entry in ClinVar:

NM_015374.3(SUN2):c.1194G>T (p.Met398Ile)

Genes: GTPBP1 (GTP binding protein 1; plus strand), SUN2 (Sad1 and UNC84 domain containing 2; minus strand). Cytogenetic location: 22q13.1.
Variant type: single nucleotide variant.
Coding change: c.1194G>T on transcript NM_015374.3 (MANE Select); coding-DNA position 1194, G replaced by T.
Protein change: p.Met398Ile; replaces methionine 398 with isoleucine.
Molecular consequence: missense variant. On other transcripts: intron variant (1).
Genome position (GRCh38, 1-based): chr22:38,740,429, C>A on the plus strand (G>T on the coding strand, the complement: SUN2 is on the minus strand). VCF-style: chr22-38740429-C-A. GRCh37 (hg19) VCF-style: chr22-39136434-C-A.
Other names: c.1194G>T, p.Met398Ile (NM_001394436.1, NM_001394437.1, NM_001199580.2 and 5 more transcripts); c.1104G>T, p.Met368Ile (NM_001394438.1); c.1056G>T, p.Met352Ile (NM_001394439.1, NM_001394440.1, NM_001394441.1); c.702G>T, p.Met234Ile (NM_001394443.1); c.618G>T, p.Met206Ile (NM_001394444.1, NM_001394445.1); c.1257G>T, p.Met419Ile (NM_001199579.2, NM_001394428.1); c.1287G>T, p.Met429Ile (NM_001394427.1); c.1239G>T, p.Met413Ile (NM_001394429.1, NM_001394430.1); and 1 more; short protein forms M234I, M352I, M398I, M419I, M368I, M206I, M413I, M429I.
Identifiers: ClinVar variation 3964003 (VCV003964003.2).

ClinVar aggregate classification (germline): Uncertain significance. Review status: criteria provided, multiple submitters, no conflicts (2 of 4 stars). 2 submissions from 2 submitters: Uncertain significance (2). Last evaluated 2025-05-18.

Conditions:
Emery-Dreifuss muscular dystrophy (EDMD). Also called: Scapuloperoneal syndrome, X-linked (formerly); Humeroperoneal neuromuscular disease, (formerly). Identifiers: Orphanet 261, MedGen C0410189, MONDO:0016830.

gnomAD v4.1: 13 of 1,508,772 alleles (0.00086%); highest among the groups gnomAD compares: Admixed American, 0.0022%; no homozygotes.

Submissions (2):

Ambry Genetics
Classification: Uncertain significance. Last evaluated: 2025-05-18. Review status: criteria provided, single submitter. Criteria: Ambry Variant Classification Scheme 2023. Collection method: clinical testing. Allele origin: germline.

Labcorp Genetics (formerly Invitae), Labcorp
Classification: Uncertain significance for Emery-Dreifuss muscular dystrophy. Last evaluated: 2025-04-11. Review status: criteria provided, single submitter. Criteria: Invitae Variant Classification Sherloc (09022015). Collection method: clinical testing. Allele origin: germline.
Comment: This sequence change replaces methionine, which is neutral and non-polar, with isoleucine, which is neutral and non-polar, at codon 398 of the SUN2 protein (p.Met398Ile). The frequency data for this variant in the population databases is considered unreliable, as metrics indicate poor data quality at this position in the gnomAD database. This variant has not been reported in the literature in individuals affected with SUN2-related conditions. An algorithm developed to predict the effect of missense changes on protein structure and function (PolyPhen-2) suggests that this variant is likely to be tolerated. In summary, the available evidence is currently insufficient to determine the role of this variant in disease. Therefore, it has been classified as a Variant of Uncertain Significance.